The following is an entry in ClinVar:

ClinVar aggregate classification (germline): Uncertain significance. Review status: criteria provided, multiple submitters, no conflicts (2 of 4 stars). 2 submissions from 2 submitters: Uncertain significance (2). Last evaluated 2023-04-26.

Conditions:
Inborn genetic diseases. Identifiers: MedGen C0950123, MeSH D030342.
Primary ciliary dyskinesia 32. Also called: CILIARY DYSKINESIA, PRIMARY, 32, WITHOUT SITUS INVERSUS. Identifiers: Orphanet 244, MedGen C4225311, MONDO:0014657, OMIM 616481.

Allele frequency attached by ClinVar (database versions not stated): gnomAD exomes below 0.00001; ExAC 0.00001; TOPMed 0.00001; gnomAD 0.00002.

Submissions (2):

Ambry Genetics
Classification: Uncertain significance for Inborn genetic diseases. Last evaluated: 2023-04-26. Review status: criteria provided, single submitter. Criteria: Ambry Variant Classification Scheme 2023. Collection method: clinical testing. Allele origin: germline.

Labcorp Genetics (formerly Invitae), Labcorp
Classification: Uncertain significance for Primary ciliary dyskinesia 32. Last evaluated: 2022-06-04. Review status: criteria provided, single submitter. Criteria: Invitae Variant Classification Sherloc (09022015). Collection method: clinical testing. Allele origin: germline.
Comment: In summary, the available evidence is currently insufficient to determine the role of this variant in disease. Therefore, it has been classified as a Variant of Uncertain Significance. Algorithms developed to predict the effect of missense changes on protein structure and function output the following: SIFT: "Tolerated"; PolyPhen-2: "Benign"; Align-GVGD: "Class C0". The alanine amino acid residue is found in multiple mammalian species, which suggests that this missense change does not adversely affect protein function. This variant has not been reported in the literature in individuals affected with RSPH3-related conditions. This variant is present in population databases (rs780923456, gnomAD 0.02%). This sequence change replaces threonine, which is neutral and polar, with alanine, which is neutral and non-polar, at codon 523 of the RSPH3 protein (p.Thr523Ala).

NM_031924.8(RSPH3):c.1141A>G (p.Thr381Ala)

Gene: RSPH3 (radial spoke head 3; minus strand). Cytogenetic location: 6q25.3.
Variant type: single nucleotide variant.
Coding change: c.1141A>G on transcript NM_031924.8 (MANE Select); coding-DNA position 1141, A replaced by G.
Protein change: p.Thr381Ala; replaces threonine 381 with alanine.
Molecular consequence: missense variant. On other transcripts: non-coding transcript variant (1).
Genome position (GRCh38, 1-based): chr6:158,977,654, T>C on the plus strand (A>G on the coding strand, the complement: RSPH3 is on the minus strand). VCF-style: chr6-158977654-T-C. GRCh37 (hg19) VCF-style: chr6-159398686-T-C.
Other names: c.1279A>G, p.Thr427Ala (NM_001346418.1); c.1567A>G (NM_031924.4); short protein forms T381A, T427A.
Identifiers: ClinVar variation 2158326 (VCV002158326.4), dbSNP rs780923456, ClinGen allele CA4075711.